The following is an entry in ClinVar:

ClinVar aggregate classification (germline): Uncertain significance. Review status: criteria provided, single submitter (1 of 4 stars). 2 submissions from 1 submitter: Uncertain significance (2). Last evaluated 2018-10-24.

Conditions:
Developmental and epileptic encephalopathy, 11 (DEE11). Also called: Early infantile epileptic encephalopathy 11. Identifiers: Orphanet 1934, MedGen C3150987, MONDO:0013388, OMIM 613721.
Seizures, benign familial infantile, 3 (BFIS3). Also called: Familial neonatal seizures; CONVULSIONS, BENIGN FAMILIAL INFANTILE, 3. Identifiers: Orphanet 140927, Orphanet 306, MedGen C1843140, MONDO:0011904, OMIM 607745.
Episodic ataxia, type 9. Identifiers: MedGen C5394520, MONDO:0030064, OMIM 618924.

Allele frequency attached by ClinVar (database versions not stated): TOPMed below 0.00001; gnomAD 0.00001.
gnomAD v4.1: 2 of 1,613,808 alleles (0.00012%); highest among the groups gnomAD compares: Admixed American, 0.0033%; no homozygotes.

Submissions (2):

Center for Genomics, Ann and Robert H. Lurie Children's Hospital of Chicago
Classification: Uncertain significance for Developmental and epileptic encephalopathy, 11; Seizures, benign familial infantile, 3. Last evaluated: 2018-10-24. Review status: criteria provided, single submitter. Criteria: ACMG Guidelines, 2015. Collection method: clinical testing. Allele origin: germline.
Comment: SCN2A NM_021007.2 exon 13 c.2149+3A>C: This variant has not been reported in the literature and is not present in large control databases. Evolutionary conservation and computational predictive tools for this variant are limited or unavailable. This variant is an intronic variant; splice prediction tools are unclear on splicing impact. Further studies are needed to understand its impact. In summary, data on this variant is insufficient for disease classification. Therefore, the clinical significance of this variant is uncertain.

Center for Genomics, Ann and Robert H. Lurie Children's Hospital of Chicago
Classification: Uncertain significance for Seizures, benign familial infantile, 3; Developmental and epileptic encephalopathy, 11; Episodic ataxia, type 9. Review status: criteria provided, single submitter. Criteria: ACMG Guidelines, 2015. Collection method: clinical testing. Allele origin: germline.
Comment: the same text as in the submission from Center for Genomics, Ann and Robert H. Lurie Children's Hospital of Chicago above.

NM_001040142.2(SCN2A):c.2149+3A>C

Gene: SCN2A (sodium voltage-gated channel alpha subunit 2; plus strand). Cytogenetic location: 2q24.3.
Variant type: single nucleotide variant.
Coding change: c.2149+3A>C on transcript NM_001040142.2 (MANE Select); 3 bases into the intron after coding-DNA position 2149, A replaced by C.
Molecular consequence: intron variant.
Genome position (GRCh38, 1-based): chr2:165,326,987, A>C. VCF-style: chr2-165326987-A-C. GRCh37 (hg19) VCF-style: chr2-166183497-A-C.
Other names: c.2149+3A>C (NM_001040143.2, NM_001371246.1, NM_001371247.1 and 1 more transcripts).
Identifiers: ClinVar variation 626164 (VCV000626164.3), dbSNP rs1474808070, ClinGen allele CA913190181.
Genomic context (GRCh38, chr2:165,326,987, plus strand): 5'-CCTACATCAAGGCAAAGAGCAATGAGTATAGCCAGTATTTTGACCAACACCATGGAAGGT[A>C]TGTTAAAAGTCCTGCGTCACAGTTACTTGGTGCTTTGGTAATGATGAAAAAACACTTCAT-3'